The following is an entry in ClinVar:

ClinVar aggregate classification (germline): Benign/Likely benign. Review status: criteria provided, multiple submitters, no conflicts (2 of 4 stars). 4 submissions from 4 submitters: Benign (2); Likely benign (2). Last evaluated 2026-02-02.

Conditions:
Donnai-Barrow syndrome. Also called: DBS/FOAR SYNDROME; FACIOOCULOACOUSTICORENAL SYNDROME. Identifiers: Orphanet 2143, MedGen C1857277, MONDO:0009104, OMIM 222448.

Allele frequency attached by ClinVar (database versions not stated): gnomAD exomes 0.00025 and 0.00057; ExAC 0.00095; gnomAD 0.00190 and 0.00205; TOPMed 0.00230; 1000 Genomes Project 0.00260; 1000 Genomes Project 30x 0.00297; ESP Exome Variant Server 0.00323.
gnomAD v4.1: 670 of 1,581,518 alleles (0.042%); highest among the groups gnomAD compares: African/African-American, 0.68%; 2 homozygotes.

Submissions (4):

Labcorp Genetics (formerly Invitae), Labcorp
Classification: Benign. Last evaluated: 2026-02-02. Review status: criteria provided, single submitter. Criteria: Invitae Variant Classification Sherloc (09022015). Collection method: clinical testing. Allele origin: germline.

Blueprint Genetics
Classification: Likely benign. Last evaluated: 2024-11-13. Review status: criteria provided, single submitter. Criteria: ACMG Guidelines, 2015. Collection method: clinical testing. Allele origin: germline.

Genome-Nilou Lab
Classification: Benign for Donnai-Barrow syndrome. Last evaluated: 2021-07-15. Review status: criteria provided, single submitter. Criteria: ACMG Guidelines, 2015. Collection method: clinical testing. Allele origin: germline. Affected: no.

Illumina Laboratory Services, Illumina
Classification: Likely benign for Donnai-Barrow syndrome. Last evaluated: 2018-01-12. Review status: criteria provided, single submitter. Criteria: ICSL Variant Classification Criteria 13 December 2019. Collection method: clinical testing. Allele origin: germline.
Comment: This variant was observed in the ICSL laboratory as part of a predisposition screen in an ostensibly healthy population. It had not been previously curated by ICSL or reported in the Human Gene Mutation Database (HGMD: prior to June 1st, 2018), and was therefore a candidate for classification through an automated scoring system. Utilizing variant allele frequency, disease prevalence and penetrance estimates, and inheritance mode, an automated score was calculated to assess if this variant is too frequent to cause the disease. Based on the score and internal cut-off values, a variant classified as likely benign is not then subjected to further curation. The score for this variant resulted in a classification of likely benign for this disease.

NM_004525.3(LRP2):c.10170-15T>G

Gene: LRP2 (LDL receptor related protein 2; minus strand). Cytogenetic location: 2q31.1.
Variant type: single nucleotide variant.
Coding change: c.10170-15T>G on transcript NM_004525.3 (MANE Select); 15 bases into the intron before coding-DNA position 10170, T replaced by G.
Molecular consequence: intron variant.
Genome position (GRCh38, 1-based): chr2:169,178,041, A>C on the plus strand (T>G on the coding strand, the complement: LRP2 is on the minus strand). VCF-style: chr2-169178041-A-C. GRCh37 (hg19) VCF-style: chr2-170034551-A-C.
Identifiers: ClinVar variation 332106 (VCV000332106.16), dbSNP rs144579935, ClinGen allele CA1953405.